The following is an entry in ClinVar:

ClinVar aggregate classification (germline): Uncertain significance (1 of 4 stars; one submission).

Allele frequency attached by ClinVar (database versions not stated): gnomAD exomes below 0.00001.
gnomAD v4.1: 4 of 1,614,126 alleles (0.00025%); highest among the groups gnomAD compares: Non-Finnish European, 0.00034%; no homozygotes.

Submission:

Labcorp Genetics (formerly Invitae), Labcorp
Classification: Uncertain significance. Last evaluated: 2022-07-19. Review status: criteria provided, single submitter. Criteria: Invitae Variant Classification Sherloc (09022015). Collection method: clinical testing. Allele origin: germline.
Comment: This sequence change replaces valine, which is neutral and non-polar, with isoleucine, which is neutral and non-polar, at codon 690 of the MYH3 protein (p.Val690Ile). This variant is present in population databases (no rsID available, gnomAD 0.0009%). This variant has not been reported in the literature in individuals affected with MYH3-related conditions. Algorithms developed to predict the effect of missense changes on protein structure and function are either unavailable or do not agree on the potential impact of this missense change (SIFT: "Deleterious"; PolyPhen-2: "Benign"; Align-GVGD: "Class C25"). In summary, the available evidence is currently insufficient to determine the role of this variant in disease. Therefore, it has been classified as a Variant of Uncertain Significance.

NM_002470.4(MYH3):c.2068G>A (p.Val690Ile)

Gene: MYH3 (myosin heavy chain 3; minus strand). Cytogenetic location: 17p13.1.
Variant type: single nucleotide variant.
Coding change: c.2068G>A on transcript NM_002470.4 (MANE Select); coding-DNA position 2068, G replaced by A.
Protein change: p.Val690Ile; replaces valine 690 with isoleucine.
Molecular consequence: missense variant.
Genome position (GRCh38, 1-based): chr17:10,641,182, C>T on the plus strand (G>A on the coding strand, the complement: MYH3 is on the minus strand). VCF-style: chr17-10641182-C-T. GRCh37 (hg19) VCF-style: chr17-10544499-C-T.
Other names: short protein forms V690I.
Identifiers: ClinVar variation 1719404 (VCV001719404.5), dbSNP rs1312988299, ClinGen allele CA398167008.